The following is an entry in ClinVar:

NM_005858.4(AKAP8):c.1104G>A (p.Lys368=)

Gene: AKAP8 (A-kinase anchoring protein 8; minus strand). Cytogenetic location: 19p13.12.
Variant type: single nucleotide variant.
Coding change: c.1104G>A on transcript NM_005858.4 (MANE Select); coding-DNA position 1104, G replaced by A.
Protein change: p.Lys368=; no amino-acid change (lysine 368 retained).
Molecular consequence: synonymous variant.
Genome position (GRCh38, 1-based): chr19:15,368,291, C>T on the plus strand (G>A on the coding strand, the complement: AKAP8 is on the minus strand). VCF-style: chr19-15368291-C-T. GRCh37 (hg19) VCF-style: chr19-15479102-C-T.
Identifiers: ClinVar variation 774954 (VCV000774954.12), dbSNP rs71334765, ClinGen allele CA9266116.
Genomic context (GRCh38, chr19:15,368,291, plus strand): 5'-TCACCTGTCGGCTGCACGGTCCCGCGTCCTGTCTCTTCTCCTTTGCTTTTCCCTTCTCTT[C>T]TTCACATCCTCGTCCTCGTCCTCCTTCTCTCCTGTAACAGACAAGTCCCTTCGAGACGCT-3'
Protein context (NP_005849.1, residues 358-378): GEKEDEDEDV[Lys368=]KRREKQRRRD

ClinVar aggregate classification (germline): Benign/Likely benign. Review status: criteria provided, multiple submitters, no conflicts (2 of 4 stars). 3 submissions from 3 submitters: Benign (2); Likely benign (1). Last evaluated 2025-03-01.

Allele frequency attached by ClinVar (database versions not stated): 1000 Genomes Project 0.00260; 1000 Genomes Project 30x 0.00281; TOPMed 0.00333; ESP Exome Variant Server 0.00361; gnomAD 0.00362 and 0.00364; ExAC 0.00483; gnomAD exomes 0.00490 and 0.00516.
gnomAD v4.1: 8,126 of 1,613,776 alleles (0.5%); highest among the groups gnomAD compares: Middle Eastern, 1.2%; 27 homozygotes.

Submissions (3):

CeGaT Center for Human Genetics Tuebingen
Classification: Likely benign. Last evaluated: 2025-03-01. Review status: criteria provided, single submitter. Criteria: CeGaT Center For Human Genetics Tuebingen Variant Classification Criteria Version 2. Collection method: clinical testing. Allele origin: germline. Affected: yes. Observed: 1 variant allele.
Comment: AKAP8: BP4, BP7, BS2

Labcorp Genetics (formerly Invitae), Labcorp
Classification: Benign. Last evaluated: 2019-12-31. Review status: criteria provided, single submitter. Criteria: Invitae Variant Classification Sherloc (09022015). Collection method: clinical testing. Allele origin: germline.

Breakthrough Genomics
Classification: Benign. Review status: criteria provided, single submitter. Criteria: ACMG Guidelines, 2015. Collection method: not provided. Allele origin: germline. Inheritance: Unknown mechanism. Affected: yes.